The following is an entry in ClinVar:

NM_003839.4(TNFRSF11A):c.1016G>T (p.Ser339Ile)

Gene: TNFRSF11A (TNF receptor superfamily member 11a; plus strand). Cytogenetic location: 18q21.33.
Variant type: single nucleotide variant.
Coding change: c.1016G>T on transcript NM_003839.4 (MANE Select); coding-DNA position 1016, G replaced by T.
Protein change: p.Ser339Ile; replaces serine 339 with isoleucine.
Molecular consequence: missense variant. On other transcripts: intron variant (3).
Genome position (GRCh38, 1-based): chr18:62,368,933, G>T. VCF-style: chr18-62368933-G-T. GRCh37 (hg19) VCF-style: chr18-60036166-G-T.
Other names: c.974G>T, p.Ser325Ile (NM_001278268.2); c.783+2173G>T (NM_001270949.2); c.730+7140G>T (NM_001270950.2); c.616+8884G>T (NM_001270951.2); short protein forms S325I, S339I.
Identifiers: ClinVar variation 2812979 (VCV002812979.3), dbSNP rs1328963759, ClinGen allele CA402616660.

ClinVar aggregate classification (germline): Uncertain significance (1 of 4 stars; one submission).

Submission:

Labcorp Genetics (formerly Invitae), Labcorp
Classification: Uncertain significance. Last evaluated: 2025-01-27. Review status: criteria provided, single submitter. Criteria: Invitae Variant Classification Sherloc (09022015). Collection method: clinical testing. Allele origin: germline.
Comment: This sequence change replaces serine, which is neutral and polar, with isoleucine, which is neutral and non-polar, at codon 339 of the TNFRSF11A protein (p.Ser339Ile). This variant is not present in population databases (gnomAD no frequency). This variant has not been reported in the literature in individuals affected with TNFRSF11A-related conditions. ClinVar contains an entry for this variant (Variation ID: 2812979). An algorithm developed to predict the effect of missense changes on protein structure and function (PolyPhen-2) suggests that this variant is likely to be tolerated. In summary, the available evidence is currently insufficient to determine the role of this variant in disease. Therefore, it has been classified as a Variant of Uncertain Significance.